The following is an entry in ClinVar:

ClinVar aggregate classification (germline): Uncertain significance (1 of 4 stars; one submission).

gnomAD v4.1: 2 of 1,613,606 alleles (0.00012%); highest among the groups gnomAD compares: Admixed American, 0.0033%; no homozygotes.

Submission:

Labcorp Genetics (formerly Invitae), Labcorp
Classification: Uncertain significance. Last evaluated: 2022-08-01. Review status: criteria provided, single submitter. Criteria: Invitae Variant Classification Sherloc (09022015). Collection method: clinical testing. Allele origin: germline.
Comment: This sequence change replaces leucine, which is neutral and non-polar, with methionine, which is neutral and non-polar, at codon 886 of the LRP5 protein (p.Leu886Met). This variant is present in population databases (no rsID available, gnomAD 0.1%). This variant has not been reported in the literature in individuals affected with LRP5-related conditions. Algorithms developed to predict the effect of missense changes on protein structure and function are either unavailable or do not agree on the potential impact of this missense change (SIFT: "Deleterious"; PolyPhen-2: "Probably Damaging"; Align-GVGD: "Class C0"). In summary, the available evidence is currently insufficient to determine the role of this variant in disease. Therefore, it has been classified as a Variant of Uncertain Significance.

NM_002335.4(LRP5):c.2656C>A (p.Leu886Met)

Gene: LRP5 (LDL receptor related protein 5; plus strand). Cytogenetic location: 11q13.2.
Variant type: single nucleotide variant.
Coding change: c.2656C>A on transcript NM_002335.4 (MANE Select); coding-DNA position 2656, C replaced by A.
Protein change: p.Leu886Met; replaces leucine 886 with methionine.
Molecular consequence: missense variant.
Genome position (GRCh38, 1-based): chr11:68,413,841, C>A. VCF-style: chr11-68413841-C-A. GRCh37 (hg19) VCF-style: chr11-68181309-C-A.
Other names: c.913C>A, p.Leu305Met (NM_001291902.2); short protein forms L886M, L305M.
Identifiers: ClinVar variation 2129734 (VCV002129734.4), dbSNP rs1283275490, ClinGen allele CA381618661.